The following is an entry in ClinVar:

NM_001330260.2(SCN8A):c.3710A>G (p.Lys1237Arg)

Gene: SCN8A (sodium voltage-gated channel alpha subunit 8; plus strand). Cytogenetic location: 12q13.13.
Variant type: single nucleotide variant.
Coding change: c.3710A>G on transcript NM_001330260.2 (MANE Select); coding-DNA position 3710, A replaced by G.
Protein change: p.Lys1237Arg; replaces lysine 1237 with arginine.
Molecular consequence: missense variant.
Genome position (GRCh38, 1-based): chr12:51,774,253, A>G. VCF-style: chr12-51774253-A-G. GRCh37 (hg19) VCF-style: chr12-52168037-A-G.
Other names: c.3710A>G, p.Lys1237Arg (NM_001177984.3, NM_001369788.1, NM_014191.4); short protein forms K1237R.
Identifiers: ClinVar variation 392657 (VCV000392657.16), dbSNP rs377197765, ClinGen allele CA6571667.
Genomic context (GRCh38, chr12:51,774,253, plus strand): 5'-TCGAGGACATCTACATTGAGCAGAGAAAGACCATCCGCACCATCCTGGAATATGCTGACA[A>G]AGTCTTCACCTATATCTTCATCCTGGAGATGTTGCTCAAGTGGACAGCCTATGGCTTCGT-3'
Protein context (NP_001317189.1, residues 1227-1247): TIRTILEYAD[Lys1237Arg]VFTYIFILEM

ClinVar aggregate classification (germline): Conflicting classifications of pathogenicity. Review status: criteria provided, conflicting classifications (1 of 4 stars). 3 submissions from 3 submitters: Uncertain significance (2); Benign (1). Last evaluated 2025-09-26.

Conditions:
Early-infantile DEE. Also called: Ohtahara syndrome; Early infantile epileptic encephalopathy with suppression bursts; Early infantile epileptic encephalopathy. Identifiers: Orphanet 1934, MedGen C0393706, MONDO:0800491.
SCN8A-related disorder.

Allele frequency attached by ClinVar (database versions not stated): gnomAD exomes 0.00001 and 0.00004; ExAC 0.00002; TOPMed 0.00005; gnomAD 0.00006 and 0.00007; ESP Exome Variant Server 0.00015.
gnomAD v4.1: 73 of 1,613,966 alleles (0.0045%); highest among the groups gnomAD compares: Non-Finnish European, 0.0057%; no homozygotes.

Submissions (3):

PreventionGenetics, part of Exact Sciences
Classification: Uncertain significance for SCN8A-related condition. Last evaluated: 2025-09-26. Review status: criteria provided, single submitter. Criteria: ACMG Guidelines, 2015. Collection method: clinical testing. Allele origin: germline.
Comment: The SCN8A c.3710A>G variant is predicted to result in the amino acid substitution p.Lys1237Arg. To our knowledge, this variant has not been reported in the literature. This variant is reported in 0.0023% of alleles in individuals of European (non-Finnish) descent in gnomAD and has conflicting classifications in ClinVar ranging from benign to uncertain (Variation ID: 392657). At this time, the clinical significance of this variant is uncertain due to the absence of conclusive functional and genetic evidence.

Labcorp Genetics (formerly Invitae), Labcorp
Classification: Benign for Early-infantile DEE. Last evaluated: 2025-04-21. Review status: criteria provided, single submitter. Criteria: Invitae Variant Classification Sherloc (09022015). Collection method: clinical testing. Allele origin: germline.

GeneDx
Classification: Uncertain significance. Last evaluated: 2017-01-04. Review status: criteria provided, single submitter. Criteria: GeneDx Variant Classification (06012015). Collection method: clinical testing. Allele origin: germline. Affected: yes.
Comment: A variant of uncertain significance has been identified in the SCN8A gene. The K1237R variant has not been published as a pathogenic variant, nor has it been reported as a benign variant to our knowledge. The K1237R variant is not observed at a significant frequency in large population cohorts (Lek et al., 2016; 1000 Genomes Consortium et al., 2015; Exome Variant Server). This substitution alters a position conserved in mammals that is predicted to be within the transmembrane segment S2 of the third homologous domain. In silico analysis predicts this variant is probably damaging to the protein structure/function. However, the K1237R variant is a conservative amino acid substitution, which is not likely to impact secondary protein structure as these residues share similar properties. Therefore, based on the currently available information, it is unclear whether this variant is a pathogenic variant or a rare benign variant.